The following is an entry in ClinVar:

NM_080680.3(COL11A2):c.4399G>A (p.Ala1467Thr)

Gene: COL11A2 (collagen type XI alpha 2 chain; minus strand). Cytogenetic location: 6p21.32.
Variant type: single nucleotide variant.
Coding change: c.4399G>A on transcript NM_080680.3 (MANE Select); coding-DNA position 4399, G replaced by A.
Protein change: p.Ala1467Thr; replaces alanine 1467 with threonine.
Molecular consequence: missense variant.
Genome position (GRCh38, 1-based): chr6:33,166,200, C>T on the plus strand (G>A on the coding strand, the complement: COL11A2 is on the minus strand). VCF-style: chr6-33166200-C-T. GRCh37 (hg19) VCF-style: chr6-33133977-C-T.
Other names: c.4078G>A, p.Ala1360Thr (NM_080679.3); c.4141G>A, p.Ala1381Thr (NM_080681.3); short protein forms A1360T, A1381T, A1467T.
Identifiers: ClinVar variation 2160124 (VCV002160124.1), dbSNP rs779385536, ClinGen allele CA363619850.

ClinVar aggregate classification (germline): Uncertain significance (1 of 4 stars; one submission).

Allele frequency attached by ClinVar (database versions not stated): TOPMed 0.00002.
gnomAD v4.1: 5 of 1,601,284 alleles (0.00031%); highest among the groups gnomAD compares: African/African-American, 0.0053%; no homozygotes.

Submission:

Labcorp Genetics (formerly Invitae), Labcorp
Classification: Uncertain significance. Last evaluated: 2022-03-27. Review status: criteria provided, single submitter. Criteria: Invitae Variant Classification Sherloc (09022015). Collection method: clinical testing. Allele origin: germline.
Comment: This sequence change replaces alanine, which is neutral and non-polar, with threonine, which is neutral and polar, at codon 1467 of the COL11A2 protein (p.Ala1467Thr). This variant is not present in population databases (gnomAD no frequency). This variant has not been reported in the literature in individuals affected with COL11A2-related conditions. Advanced modeling of protein sequence and biophysical properties (such as structural, functional, and spatial information, amino acid conservation, physicochemical variation, residue mobility, and thermodynamic stability) performed at Invitae indicates that this missense variant is not expected to disrupt COL11A2 protein function. In summary, the available evidence is currently insufficient to determine the role of this variant in disease. Therefore, it has been classified as a Variant of Uncertain Significance.